The following is an entry in ClinVar:

NM_006206.6(PDGFRA):c.388C>T (p.Pro130Ser)

Gene: PDGFRA (platelet derived growth factor receptor alpha; plus strand). Cytogenetic location: 4q12.
Variant type: single nucleotide variant.
Coding change: c.388C>T on transcript NM_006206.6 (MANE Select); coding-DNA position 388, C replaced by T.
Protein change: p.Pro130Ser; replaces proline 130 with serine.
Molecular consequence: missense variant.
Genome position (GRCh38, 1-based): chr4:54,263,687, C>T. VCF-style: chr4-54263687-C-T. GRCh37 (hg19) VCF-style: chr4-55129854-C-T.
Other names: c.388C>T, p.Pro130Ser (NM_001347827.2, NM_001347829.2); c.463C>T, p.Pro155Ser (NM_001347828.2); c.427C>T, p.Pro143Ser (NM_001347830.2); c.388C>T (NM_006206.4); short protein forms P130S, P155S, P143S.
Identifiers: ClinVar variation 1379111 (VCV001379111.9), dbSNP rs2110250649, ClinGen allele CA356889651.
Genomic context (GRCh38, chr4:54,263,687, plus strand): 5'-TTAATGTCTAATAGAGTCTTCATTCTTTTTTAAACCACAGACCCAGATGTAGCCTTTGTA[C>T]CTCTAGGAATGACGGATTATTTAGTCATCGTGGAGGATGATGATTCTGCCATTATACCTT-3'
Protein context (NP_006197.1, residues 120-140): YVPDPDVAFV[Pro130Ser]LGMTDYLVIV

ClinVar aggregate classification (germline): Uncertain significance. Review status: criteria provided, multiple submitters, no conflicts (2 of 4 stars). 2 submissions from 2 submitters: Uncertain significance (2). Last evaluated 2025-09-05.

Conditions:
Gastrointestinal stromal tumor. Also called: Gastrointestinal stroma tumor; Gastrointestinal stromal tumor, somatic. Identifiers: Orphanet 44890, MedGen C0238198, MeSH D046152, MONDO:0011719, OMIM 606764, HP:0100723.
Hereditary cancer-predisposing syndrome. Also called: Tumor predisposition; Hereditary Cancer Syndrome; Hereditary neoplastic syndrome; Neoplastic Syndromes, Hereditary. Identifiers: Orphanet 140162, MedGen C0027672, MeSH D009386, MONDO:0015356.

Submissions (2):

Ambry Genetics
Classification: Uncertain significance for Hereditary cancer-predisposing syndrome. Last evaluated: 2025-09-05. Review status: criteria provided, single submitter. Criteria: Ambry Variant Classification Scheme 2023. Collection method: clinical testing. Allele origin: germline.
Comment: The p.P130S variant (also known as c.388C>T), located in coding exon 3 of the PDGFRA gene, results from a C to T substitution at nucleotide position 388. The proline at codon 130 is replaced by serine, an amino acid with similar properties. This amino acid position is highly conserved in available vertebrate species. In addition, the in silico prediction for this alteration is inconclusive. Based on the available evidence, the clinical significance of this variant remains unclear.

Labcorp Genetics (formerly Invitae), Labcorp
Classification: Uncertain significance for Gastrointestinal stromal tumor. Last evaluated: 2022-11-08. Review status: criteria provided, single submitter. Criteria: Invitae Variant Classification Sherloc (09022015). Collection method: clinical testing. Allele origin: germline.
Comment: In summary, the available evidence is currently insufficient to determine the role of this variant in disease. Therefore, it has been classified as a Variant of Uncertain Significance. Algorithms developed to predict the effect of sequence changes on RNA splicing suggest that this variant may create or strengthen a splice site. Experimental studies have shown that this missense change does not substantially affect PDGFRA function (PMID: 23752188). Advanced modeling of protein sequence and biophysical properties (such as structural, functional, and spatial information, amino acid conservation, physicochemical variation, residue mobility, and thermodynamic stability) performed at Invitae indicates that this missense variant is not expected to disrupt PDGFRA protein function. ClinVar contains an entry for this variant (Variation ID: 1379111). This variant has not been reported in the literature in individuals affected with PDGFRA-related conditions. This variant is not present in population databases (gnomAD no frequency). This sequence change replaces proline, which is neutral and non-polar, with serine, which is neutral and polar, at codon 130 of the PDGFRA protein (p.Pro130Ser).

Literature cited by the submitters: PubMed 23752188 (cited by Labcorp Genetics (formerly Invitae), Labcorp).